The following is an entry in ClinVar:

NM_017841.4(SDHAF2):c.364G>T (p.Ala122Ser)

Gene: SDHAF2 (succinate dehydrogenase complex assembly factor 2; plus strand). Cytogenetic location: 11q12.2.
Variant type: single nucleotide variant.
Coding change: c.364G>T on transcript NM_017841.4 (MANE Select); coding-DNA position 364, G replaced by T.
Protein change: p.Ala122Ser; replaces alanine 122 with serine.
Molecular consequence: missense variant.
Genome position (GRCh38, 1-based): chr11:61,438,107, G>T. VCF-style: chr11-61438107-G-T. GRCh37 (hg19) VCF-style: chr11-61205579-G-T.
Other names: short protein forms A122S.
Identifiers: ClinVar variation 2561636 (VCV002561636.5), dbSNP rs762683437, ClinGen allele CA058675.

ClinVar aggregate classification (germline): Uncertain significance. Review status: criteria provided, multiple submitters, no conflicts (2 of 4 stars). 2 submissions from 2 submitters: Uncertain significance (2). Last evaluated 2023-04-08.

Conditions:
Hereditary cancer-predisposing syndrome. Also called: Neoplastic Syndromes, Hereditary; Tumor predisposition; Hereditary Cancer Syndrome; Hereditary neoplastic syndrome. Identifiers: Orphanet 140162, MedGen C0027672, MeSH D009386, MONDO:0015356.
Hereditary pheochromocytoma and paraganglioma. Also called: Hereditary paragangliomas and pheochromocytomas; Hereditary Paraganglioma-Pheochromocytoma Syndromes; Hereditary pheochromocytoma-paraganglioma. Identifiers: Orphanet 29072, MedGen C4274332, MONDO:0017366.

Allele frequency attached by ClinVar (database versions not stated): TOPMed below 0.00001; ExAC 0.00001.
gnomAD v4.1: 1 of 1,609,962 alleles (0.000062%); no homozygotes.

Submissions (2):

Labcorp Genetics (formerly Invitae), Labcorp
Classification: Uncertain significance for Hereditary pheochromocytoma and paraganglioma. Last evaluated: 2023-04-08. Review status: criteria provided, single submitter. Criteria: Invitae Variant Classification Sherloc (09022015). Collection method: clinical testing. Allele origin: germline.
Comment: This sequence change replaces alanine, which is neutral and non-polar, with serine, which is neutral and polar, at codon 122 of the SDHAF2 protein (p.Ala122Ser). This variant is not present in population databases (gnomAD no frequency). This variant has not been reported in the literature in individuals affected with SDHAF2-related conditions. An algorithm developed to predict the effect of missense changes on protein structure and function (PolyPhen-2) suggests that this variant is likely to be disruptive. In summary, the available evidence is currently insufficient to determine the role of this variant in disease. Therefore, it has been classified as a Variant of Uncertain Significance.

Ambry Genetics
Classification: Uncertain significance for Hereditary cancer-predisposing syndrome. Last evaluated: 2023-03-17. Review status: criteria provided, single submitter. Criteria: Ambry Variant Classification Scheme 2023. Collection method: clinical testing. Allele origin: germline.
Comment: The p.A122S variant (also known as c.364G>T), located in coding exon 3 of the SDHAF2 gene, results from a G to T substitution at nucleotide position 364. The alanine at codon 122 is replaced by serine, an amino acid with similar properties. This amino acid position is conserved. In addition, the in silico prediction for this alteration is inconclusive. Since supporting evidence is limited at this time, the clinical significance of this alteration remains unclear.